The following is an entry in ClinVar:

NM_033310.3(KCNK4):c.504A>C (p.Arg168Ser)

Genes: KCNK4 (potassium two pore domain channel subfamily K member 4; plus strand), KCNK4-CATSPERZ (KCNK4-CATSPERZ readthrough (NMD candidate); plus strand). Cytogenetic location: 11q13.1.
Variant type: single nucleotide variant.
Coding change: c.504A>C on transcript NM_033310.3 (MANE Select); coding-DNA position 504, A replaced by C.
Protein change: p.Arg168Ser; replaces arginine 168 with serine.
Molecular consequence: missense variant. On other transcripts: non-coding transcript variant (1).
Genome position (GRCh38, 1-based): chr11:64,297,496, A>C. VCF-style: chr11-64297496-A-C. GRCh37 (hg19) VCF-style: chr11-64064968-A-C.
Other names: c.504A>C, p.Arg168Ser (NM_001317090.2); short protein forms R168S.
Identifiers: ClinVar variation 1378599 (VCV001378599.6), dbSNP rs2135232363, ClinGen allele CA381165591.
Genomic context (GRCh38, chr11:64,297,496, plus strand): 5'-CCTGGGTCCTGCCTACTGCCCCATCCCGCAGAAGTGGCACGTGCCACCGGAGCTAGTAAG[A>C]GTGCTGTCGGCGATGCTTTTCCTGCTGATCGGCTGCCTGCTCTTTGTCCTCACGCCCACG-3'
Protein context (NP_201567.1, residues 158-178): LKWHVPPELV[Arg168Ser]VLSAMLFLLI

ClinVar aggregate classification (germline): Uncertain significance (1 of 4 stars; one submission).

Submission:

Labcorp Genetics (formerly Invitae), Labcorp
Classification: Uncertain significance. Last evaluated: 2023-11-27. Review status: criteria provided, single submitter. Criteria: Invitae Variant Classification Sherloc (09022015). Collection method: clinical testing. Allele origin: germline.
Comment: This sequence change replaces arginine with serine at codon 168 of the KCNK4 protein (p.Arg168Ser). The arginine residue is highly conserved and there is a moderate physicochemical difference between arginine and serine. This variant is not present in population databases (gnomAD no frequency). This variant has not been reported in the literature in individuals affected with KCNK4-related conditions. ClinVar contains an entry for this variant (Variation ID: 1378599). An algorithm developed to predict the effect of missense changes on protein structure and function (PolyPhen-2) suggests that this variant is likely to be tolerated. In summary, the available evidence is currently insufficient to determine the role of this variant in disease. Therefore, it has been classified as a Variant of Uncertain Significance.